The following is an entry in ClinVar:

ClinVar aggregate classification (germline): Likely benign. Review status: criteria provided, multiple submitters, no conflicts (2 of 4 stars). 2 submissions from 2 submitters: Likely benign (2). Last evaluated 2025-10-23.

Allele frequency attached by ClinVar (database versions not stated): gnomAD 0.00002; gnomAD exomes 0.00003 and 0.00006; TOPMed 0.00003; ExAC 0.00005; ESP Exome Variant Server 0.00012.
gnomAD v4.1: 82 of 1,611,792 alleles (0.0051%); highest among the groups gnomAD compares: Non-Finnish European, 0.0067%; no homozygotes.

Submissions (2):

Labcorp Genetics (formerly Invitae), Labcorp
Classification: Likely benign. Last evaluated: 2025-10-23. Review status: criteria provided, single submitter. Criteria: Invitae Variant Classification Sherloc (09022015). Collection method: clinical testing. Allele origin: germline.

GeneDx
Classification: Likely benign. Last evaluated: 2017-10-24. Review status: criteria provided, single submitter. Criteria: GeneDx Variant Classification (06012015). Collection method: clinical testing. Allele origin: germline. Affected: yes.
Comment: This variant is considered likely benign or benign based on one or more of the following criteria: it is a conservative change, it occurs at a poorly conserved position in the protein, it is predicted to be benign by multiple in silico algorithms, and/or has population frequency not consistent with disease.

NM_080680.3(COL11A2):c.1557+19T>C

Gene: COL11A2 (collagen type XI alpha 2 chain; minus strand). Cytogenetic location: 6p21.32.
Variant type: single nucleotide variant.
Coding change: c.1557+19T>C on transcript NM_080680.3 (MANE Select); 19 bases into the intron after coding-DNA position 1557, T replaced by C.
Molecular consequence: intron variant.
Genome position (GRCh38, 1-based): chr6:33,179,212, A>G on the plus strand (T>C on the coding strand, the complement: COL11A2 is on the minus strand). VCF-style: chr6-33179212-A-G. GRCh37 (hg19) VCF-style: chr6-33146989-A-G.
Other names: c.1236+19T>C (NM_080679.3); c.1299+19T>C (NM_080681.3).
Identifiers: ClinVar variation 512934 (VCV000512934.9), dbSNP rs374716901, ClinGen allele CA3751317.
Genomic context (GRCh38, chr6:33,179,212, plus strand): 5'-GTTAGGAGGCATAGGGAGGGGAGTGAGGGAGACTGAGCTGGTGAACAGATATGGGGGTGC[A>G]GTGGAGGAAAGTGGTCACCTGAGGTCCTAAGTCTCCAGACTCTCCTTTCAGGCCAGGGCT-3'